The following is an entry in ClinVar:

NM_002197.3(ACO1):c.367G>A (p.Val123Ile)

Gene: ACO1 (aconitase 1; plus strand). Cytogenetic location: 9p21.1.
Variant type: single nucleotide variant.
Coding change: c.367G>A on transcript NM_002197.3 (MANE Select); coding-DNA position 367, G replaced by A.
Protein change: p.Val123Ile; replaces valine 123 with isoleucine.
Molecular consequence: missense variant.
Genome position (GRCh38, 1-based): chr9:32,408,614, G>A. VCF-style: chr9-32408614-G-A. GRCh37 (hg19) VCF-style: chr9-32408612-G-A.
Other names: p.Val123Ile; c.367G>A, p.Val123Ile (NM_001278352.2, NM_001362840.2); short protein forms V123I.
Identifiers: ClinVar variation 3379853 (VCV003379853.3).

ClinVar aggregate classification (germline): Conflicting classifications of pathogenicity. Review status: criteria provided, conflicting classifications (1 of 4 stars). 2 submissions from 2 submitters: Uncertain significance (1); Likely benign (1). Last evaluated 2026-04-01.

Submissions (2):

CeGaT Center for Human Genetics Tuebingen
Classification: Likely benign. Last evaluated: 2026-04-01. Review status: criteria provided, single submitter. Criteria: CeGaT Center For Human Genetics Tuebingen Variant Classification Criteria Version 2. Collection method: clinical testing. Allele origin: germline. Affected: yes. Observed: 1 variant allele.
Comment: ACO1: BS2

Mayo Clinic Laboratories, Mayo Clinic
Classification: Uncertain significance. Last evaluated: 2024-01-19. Review status: criteria provided, single submitter. Criteria: ACMG Guidelines, 2015. Collection method: clinical testing. Allele origin: germline. Observed: 1 variant allele.
Comment: BP4

Literature cited by the submitters: PubMed 32327693 (cited by Mayo Clinic Laboratories, Mayo Clinic).